The following is an entry in ClinVar:

ClinVar aggregate classification (germline): Uncertain significance. Review status: criteria provided, multiple submitters, no conflicts (2 of 4 stars). 2 submissions from 2 submitters: Uncertain significance (2). Last evaluated 2023-06-29.

Allele frequency attached by ClinVar (database versions not stated): ExAC 0.00001; TOPMed 0.00001.

Submissions (2):

Labcorp Genetics (formerly Invitae), Labcorp
Classification: Uncertain significance. Last evaluated: 2023-06-29. Review status: criteria provided, single submitter. Criteria: Invitae Variant Classification Sherloc (09022015). Collection method: clinical testing. Allele origin: germline.
Comment: This sequence change replaces threonine, which is neutral and polar, with methionine, which is neutral and non-polar, at codon 621 of the GRHL2 protein (p.Thr621Met). This variant is present in population databases (rs748576840, gnomAD 0.004%). In summary, the available evidence is currently insufficient to determine the role of this variant in disease. Therefore, it has been classified as a Variant of Uncertain Significance. Advanced modeling of protein sequence and biophysical properties (such as structural, functional, and spatial information, amino acid conservation, physicochemical variation, residue mobility, and thermodynamic stability) has been performed at Invitae for this missense variant, however the output from this modeling did not meet the statistical confidence thresholds required to predict the impact of this variant on GRHL2 protein function. This variant has not been reported in the literature in individuals affected with GRHL2-related conditions.

Blueprint Genetics
Classification: Uncertain significance. Last evaluated: 2023-01-11. Review status: criteria provided, single submitter. Criteria: ACMG Guidelines, 2015. Collection method: clinical testing. Allele origin: germline.

NM_024915.4(GRHL2):c.1862C>T (p.Thr621Met)

Gene: GRHL2 (grainyhead like transcription factor 2; plus strand). Cytogenetic location: 8q22.3.
Variant type: single nucleotide variant.
Coding change: c.1862C>T on transcript NM_024915.4 (MANE Select); coding-DNA position 1862, C replaced by T.
Protein change: p.Thr621Met; replaces threonine 621 with methionine.
Molecular consequence: missense variant.
Genome position (GRCh38, 1-based): chr8:101,666,687, C>T. VCF-style: chr8-101666687-C-T. GRCh37 (hg19) VCF-style: chr8-102678915-C-T.
Other names: c.1814C>T, p.Thr605Met (NM_001330593.2); short protein forms T621M, T605M.
Identifiers: ClinVar variation 2780307 (VCV002780307.4), dbSNP rs748576840, ClinGen allele CA4830747.